The following is an entry in ClinVar:

NM_001079668.3(NKX2-1):c.491G>T (p.Gly164Val)

Genes: NKX2-1 (NK2 homeobox 1; minus strand), SFTA3 (surfactant associated 3; minus strand). Cytogenetic location: 14q13.3.
Variant type: single nucleotide variant.
Coding change: c.491G>T on transcript NM_001079668.3 (MANE Select); coding-DNA position 491, G replaced by T.
Protein change: p.Gly164Val; replaces glycine 164 with valine.
Molecular consequence: missense variant.
Genome position (GRCh38, 1-based): chr14:36,517,993, C>A on the plus strand (G>T on the coding strand, the complement: NKX2-1 is on the minus strand). VCF-style: chr14-36517993-C-A. GRCh37 (hg19) VCF-style: chr14-36987198-C-A.
Other names: c.401G>T, p.Gly134Val (NM_003317.4); short protein forms G164V, G134V.
Identifiers: ClinVar variation 1505397 (VCV001505397.6), dbSNP rs751097160, ClinGen allele CA7158491.

ClinVar aggregate classification (germline): Uncertain significance (1 of 4 stars; one submission).

Allele frequency attached by ClinVar (database versions not stated): gnomAD exomes below 0.00001; ExAC 0.00001; gnomAD 0.00001; 1000 Genomes Project 30x 0.00031.
gnomAD v4.1: 2 of 1,598,620 alleles (0.00013%); highest among the groups gnomAD compares: South Asian, 0.0022%; no homozygotes.

Submission:

Labcorp Genetics (formerly Invitae), Labcorp
Classification: Uncertain significance. Last evaluated: 2021-11-23. Review status: criteria provided, single submitter. Criteria: Invitae Variant Classification Sherloc (09022015). Collection method: clinical testing. Allele origin: germline.
Comment: In summary, the available evidence is currently insufficient to determine the role of this variant in disease. Therefore, it has been classified as a Variant of Uncertain Significance. Algorithms developed to predict the effect of missense changes on protein structure and function are either unavailable or do not agree on the potential impact of this missense change (SIFT: "Deleterious"; PolyPhen-2: "Probably Damaging"; Align-GVGD: "Class C15"). This variant has not been reported in the literature in individuals affected with NKX2-1-related conditions. The frequency data for this variant in the population databases is considered unreliable, as metrics indicate poor data quality at this position in the gnomAD database. This sequence change replaces glycine, which is neutral and non-polar, with valine, which is neutral and non-polar, at codon 164 of the NKX2-1 protein (p.Gly164Val).